The following is an entry in ClinVar:

NM_001232.4(CASQ2):c.738-11_738-5del

Gene: CASQ2 (calsequestrin 2; minus strand). Cytogenetic location: 1p13.1.
Variant type: Deletion.
Coding change: c.738-11_738-5del on transcript NM_001232.4 (MANE Select); 11 bases into the intron before coding-DNA position 738 through 5 bases into the intron before coding-DNA position 738, 7 bases deleted (TTTTTTT; older notation c.738-11_738-5delTTTTTTT).
Molecular consequence: intron variant.
Genome position (GRCh38, 1-based): chr1:115,725,558-115,725,564, AAAAAAA deleted on the plus strand (TTTTTTT on the coding strand, the reverse complement: CASQ2 is on the minus strand); deleting any 7 consecutive bases within chr1:115,725,558-115,725,580 gives the same sequence; the c. name uses the placement nearest the transcript's 3' end. VCF-style (leftmost placement, unchanged base first): chr1-115725557-GAAAAAAA-G. GRCh37 (hg19) VCF-style: chr1-116268178-GAAAAAAA-G.
Other names: p.?; c.738-11_738-5del (NM_001232.3).
Identifiers: ClinVar variation 502421 (VCV000502421.12), dbSNP rs56889721, ClinGen allele CA29634751.

ClinVar aggregate classification (germline): Benign/Likely benign. Review status: criteria provided, multiple submitters, no conflicts (2 of 4 stars). 6 submissions from 6 submitters: Benign (2); Likely benign (4). Last evaluated 2026-01-16.

Conditions:
Catecholaminergic polymorphic ventricular tachycardia 1. Also called: VENTRICULAR TACHYCARDIA, CATECHOLAMINERGIC POLYMORPHIC, 1, WITH OR WITHOUT ATRIAL DYSFUNCTION AND/OR DILATED CARDIOMYOPATHY; RYR2-Related Catecholaminergic Polymorphic Ventricular Tachycardia; VENTRICULAR TACHYCARDIA, STRESS-INDUCED POLYMORPHIC 1. Identifiers: Orphanet 3286, MedGen C1631597, MONDO:0011484, OMIM 604772.
Catecholaminergic polymorphic ventricular tachycardia 2. Also called: CASQ2-Related Catecholaminergic Polymorphic Ventricular Tachycardia; VENTRICULAR TACHYCARDIA, STRESS-INDUCED POLYMORPHIC 2. Identifiers: Orphanet 3286, MedGen C2677794, MONDO:0012762, OMIM 611938.

Submissions (6):

Labcorp Genetics (formerly Invitae), Labcorp
Classification: Benign for Catecholaminergic polymorphic ventricular tachycardia 1. Last evaluated: 2026-01-16. Review status: criteria provided, single submitter. Criteria: Invitae Variant Classification Sherloc (09022015). Collection method: clinical testing. Allele origin: germline.

Mayo Clinic Laboratories, Mayo Clinic
Classification: Benign. Last evaluated: 2025-08-21. Review status: criteria provided, single submitter. Criteria: ACMG Guidelines, 2015. Collection method: clinical testing. Allele origin: germline. Observed: 3 variant alleles.
Comment: BA1, BS2, BP4, BP7

Blueprint Genetics
Classification: Likely benign. Last evaluated: 2024-11-13. Review status: criteria provided, single submitter. Criteria: ACMG Guidelines, 2015. Collection method: clinical testing. Allele origin: germline.

Genome-Nilou Lab
Classification: Likely benign for Catecholaminergic polymorphic ventricular tachycardia 2. Last evaluated: 2023-04-11. Review status: criteria provided, single submitter. Criteria: ACMG Guidelines, 2015. Collection method: clinical testing. Allele origin: germline. Affected: no.

Fulgent Genetics
Classification: Likely benign for Catecholaminergic polymorphic ventricular tachycardia 1; Catecholaminergic polymorphic ventricular tachycardia 2. Last evaluated: 2021-09-24. Review status: criteria provided, single submitter. Criteria: ACMG Guidelines, 2015. Collection method: clinical testing. Allele origin: unknown.

Eurofins Ntd Llc (ga)
Classification: Likely benign. Last evaluated: 2017-06-06. Review status: criteria provided, single submitter. Criteria: EGL Classification Definitions 2015. Collection method: clinical testing. Allele origin: germline. Observed: 1 variant allele, 1 heterozygote.